The following is an entry in ClinVar:

NM_004006.3(DMD):c.6305C>T (p.Ser2102Phe)

Gene: DMD (dystrophin; minus strand). Cytogenetic location: Xp21.1.
Variant type: single nucleotide variant.
Coding change: c.6305C>T on transcript NM_004006.3 (MANE Select); coding-DNA position 6305, C replaced by T.
Protein change: p.Ser2102Phe; replaces serine 2102 with phenylalanine.
Molecular consequence: missense variant.
Genome position (GRCh38, 1-based): chrX:32,217,049, G>A on the plus strand (C>T on the coding strand, the complement: DMD is on the minus strand). VCF-style: chrX-32217049-G-A. GRCh37 (hg19) VCF-style: chrX-32235166-G-A.
Other names: c.6281C>T, p.Ser2094Phe (NM_000109.4); c.6293C>T, p.Ser2098Phe (NM_004009.3); c.5936C>T, p.Ser1979Phe (NM_004010.3); c.2282C>T, p.Ser761Phe (NM_004011.4); c.2273C>T, p.Ser758Phe (NM_004012.4); short protein forms S2094F, S761F, S1979F, S2098F, S2102F, S758F.
Identifiers: ClinVar variation 1752750 (VCV001752750.3), dbSNP rs2097114904, ClinGen allele CA412660772.

ClinVar aggregate classification (germline): Uncertain significance. Review status: criteria provided, single submitter (1 of 4 stars). 2 submissions from 2 submitters: Uncertain significance (1). 1 of the submissions does not count toward it. Last evaluated 2022-01-19.

Conditions:
Cardiovascular phenotype. Identifiers: MedGen CN230736.
Becker muscular dystrophy, Cardiomyopathy, Duchenne muscular dystrophy, Dystrophin deficiency.

Submissions (2):

Ambry Genetics
Classification: Uncertain significance for Cardiovascular phenotype. Last evaluated: 2022-01-19. Review status: criteria provided, single submitter. Criteria: Ambry Variant Classification Scheme 2023. Collection method: clinical testing. Allele origin: germline.
Comment: The p.S2102F variant (also known as c.6305C>T), located in coding exon 44 of the DMD gene, results from a C to T substitution at nucleotide position 6305. The serine at codon 2102 is replaced by phenylalanine, an amino acid with highly dissimilar properties. This amino acid position is highly conserved in available vertebrate species. In addition, this alteration is predicted to be tolerated by in silico analysis. Since supporting evidence is limited at this time, the clinical significance of this alteration remains unclear.

Natera, Inc.
Classification: Uncertain significance for Becker muscular dystrophy, Cardiomyopathy, Duchenne muscular dystrophy, Dystrophin deficiency. Last evaluated: 2025-04-23. Review status: no assertion criteria provided. Collection method: clinical testing. Allele origin: germline. Not counted in ClinVar's aggregate classification.